The following is an entry in ClinVar:

NM_006361.6(HOXB13):c.83T>C (p.Val28Ala)

Gene: HOXB13 (homeobox B13; minus strand). Cytogenetic location: 17q21.32.
Variant type: single nucleotide variant.
Coding change: c.83T>C on transcript NM_006361.6 (MANE Select); coding-DNA position 83, T replaced by C.
Protein change: p.Val28Ala; replaces valine 28 with alanine.
Molecular consequence: missense variant.
Genome position (GRCh38, 1-based): chr17:48,728,511, A>G on the plus strand (T>C on the coding strand, the complement: HOXB13 is on the minus strand). VCF-style: chr17-48728511-A-G. GRCh37 (hg19) VCF-style: chr17-46805873-A-G.
Other names: c.83T>C (NM_006361.5); short protein forms V28A.
Identifiers: ClinVar variation 1382530 (VCV001382530.7), dbSNP rs2143075277, ClinGen allele CA400109512.

ClinVar aggregate classification (germline): Uncertain significance. Review status: criteria provided, multiple submitters, no conflicts (2 of 4 stars). 2 submissions from 2 submitters: Uncertain significance (2). Last evaluated 2024-10-25.

Submissions (2):

GeneDx
Classification: Uncertain significance. Last evaluated: 2024-10-25. Review status: criteria provided, single submitter. Criteria: GeneDx Variant Classification Process June 2021. Collection method: clinical testing. Allele origin: germline. Affected: yes.
Comment: Not observed at significant frequency in large population cohorts (gnomAD); In silico analysis indicates that this missense variant does not alter protein structure/function; Has not been previously published as pathogenic or benign to our knowledge

Labcorp Genetics (formerly Invitae), Labcorp
Classification: Uncertain significance. Last evaluated: 2021-09-21. Review status: criteria provided, single submitter. Criteria: Invitae Variant Classification Sherloc (09022015). Collection method: clinical testing. Allele origin: germline.
Comment: This variant has not been reported in the literature in individuals affected with HOXB13-related conditions. In summary, the available evidence is currently insufficient to determine the role of this variant in disease. Therefore, it has been classified as a Variant of Uncertain Significance. Algorithms developed to predict the effect of missense changes on protein structure and function output the following: SIFT: "Tolerated"; PolyPhen-2: "Benign"; Align-GVGD: "Class C0". The alanine amino acid residue is found in multiple mammalian species, which suggests that this missense change does not adversely affect protein function. This variant is not present in population databases (ExAC no frequency). This sequence change replaces valine with alanine at codon 28 of the HOXB13 protein (p.Val28Ala). The valine residue is weakly conserved and there is a small physicochemical difference between valine and alanine.